The following is an entry in ClinVar:

ClinVar aggregate classification (germline): Likely benign (1 of 4 stars; one submission).

Conditions:
KCNQ1-related disorder. Also called: KCNQ1-related condition; KCNQ1-related disorders. Identifiers: MedGen CN239322.

Submission:

PreventionGenetics, part of Exact Sciences
Classification: Likely benign for KCNQ1-related condition. Last evaluated: 2026-03-06. Review status: criteria provided, single submitter. Criteria: ACMG Guidelines, 2015. Collection method: clinical testing. Allele origin: germline.
Comment: This variant is classified as likely benign based on ACMG/AMP sequence variant interpretation guidelines (Richards et al. 2015 PMID: 25741868, with internal and published modifications).

NM_000218.3(KCNQ1):c.1514+12745G>T

Genes: KCNQ1 (potassium voltage-gated channel subfamily Q member 1; plus strand), KCNQ1OT1 (KCNQ1 opposite strand/antisense transcript 1; minus strand). Cytogenetic location: 11p15.5.
Variant type: single nucleotide variant.
Coding change: c.1514+12745G>T on transcript NM_000218.3 (MANE Select); 12745 bases into the intron after coding-DNA position 1514, G replaced by T.
Molecular consequence: intron variant. On other transcripts: non-coding transcript variant (1).
Genome position (GRCh38, 1-based): chr11:2,674,826, G>T. VCF-style: chr11-2674826-G-T. GRCh37 (hg19) VCF-style: chr11-2696056-G-T.
Other names: c.1244+12745G>T (NM_001406837.1); c.1418+12745G>T (NM_001406836.1); c.974+12745G>T (NM_001406838.1); c.1133+12745G>T (NM_181798.2).
Identifiers: ClinVar variation 4984059 (VCV004984059.1).